The following is an entry in ClinVar:

NM_004260.4(RECQL4):c.2758A>G (p.Ile920Val)

Gene: RECQL4 (RecQ like helicase 4; minus strand). Cytogenetic location: 8q24.3.
Variant type: single nucleotide variant.
Coding change: c.2758A>G on transcript NM_004260.4 (MANE Select); coding-DNA position 2758, A replaced by G.
Protein change: p.Ile920Val; replaces isoleucine 920 with valine.
Molecular consequence: missense variant.
Genome position (GRCh38, 1-based): chr8:144,512,769, T>C on the plus strand (A>G on the coding strand, the complement: RECQL4 is on the minus strand). VCF-style: chr8-144512769-T-C. GRCh37 (hg19) VCF-style: chr8-145738152-T-C.
Other names: short protein forms I920V.
Identifiers: ClinVar variation 459431 (VCV000459431.8), dbSNP rs780723602, ClinGen allele CA4948087.

ClinVar aggregate classification (germline): Uncertain significance (1 of 4 stars; one submission).

Conditions:
Baller-Gerold syndrome (BGS). Also called: CRANIOSYNOSTOSIS WITH RADIAL DEFECTS. Identifiers: Orphanet 1225, MedGen C0265308, MONDO:0009039, OMIM 218600.

Allele frequency attached by ClinVar (database versions not stated): ExAC 0.00001; gnomAD 0.00001; gnomAD exomes 0.00001; TOPMed 0.00001.
gnomAD v4.1: 18 of 1,611,702 alleles (0.0011%); highest among the groups gnomAD compares: Admixed American, 0.0017%; no homozygotes.

Submission:

Labcorp Genetics (formerly Invitae), Labcorp
Classification: Uncertain significance for Baller-Gerold syndrome. Last evaluated: 2024-11-04. Review status: criteria provided, single submitter. Criteria: Invitae Variant Classification Sherloc (09022015). Collection method: clinical testing. Allele origin: germline.
Comment: This sequence change replaces isoleucine, which is neutral and non-polar, with valine, which is neutral and non-polar, at codon 920 of the RECQL4 protein (p.Ile920Val). This variant is present in population databases (rs780723602, gnomAD 0.002%). This variant has not been reported in the literature in individuals affected with RECQL4-related conditions. ClinVar contains an entry for this variant (Variation ID: 459431). An algorithm developed to predict the effect of missense changes on protein structure and function outputs the following: PolyPhen-2: "Not Available". The valine amino acid residue is found in multiple mammalian species, which suggests that this missense change does not adversely affect protein function. In summary, the available evidence is currently insufficient to determine the role of this variant in disease. Therefore, it has been classified as a Variant of Uncertain Significance.